The following is an entry in ClinVar:

NM_004006.3(DMD):c.6337A>G (p.Ile2113Val)

Gene: DMD (dystrophin; minus strand). Cytogenetic location: Xp21.1.
Variant type: single nucleotide variant.
Coding change: c.6337A>G on transcript NM_004006.3 (MANE Select); coding-DNA position 6337, A replaced by G.
Protein change: p.Ile2113Val; replaces isoleucine 2113 with valine.
Molecular consequence: missense variant.
Genome position (GRCh38, 1-based): chrX:32,217,017, T>C on the plus strand (A>G on the coding strand, the complement: DMD is on the minus strand). VCF-style: chrX-32217017-T-C. GRCh37 (hg19) VCF-style: chrX-32235134-T-C.
Other names: c.6313A>G, p.Ile2105Val (NM_000109.4); c.6325A>G, p.Ile2109Val (NM_004009.3); c.5968A>G, p.Ile1990Val (NM_004010.3); c.2314A>G, p.Ile772Val (NM_004011.4); c.2305A>G, p.Ile769Val (NM_004012.4); short protein forms I2109V, I2113V, I769V, I2105V, I1990V, I772V.
Identifiers: ClinVar variation 2095812 (VCV002095812.1), dbSNP rs2519059134, ClinGen allele CA412660700.

ClinVar aggregate classification (germline): Uncertain significance (1 of 4 stars; one submission).

Conditions:
Duchenne muscular dystrophy (DMD). Also called: MUSCULAR DYSTROPHY, PSEUDOHYPERTROPHIC PROGRESSIVE, DUCHENNE TYPE; Duchenne Muscular Dystrophy (DMD). Identifiers: Orphanet 98896, MedGen C0013264, MONDO:0010679, OMIM 310200.

Submission:

Labcorp Genetics (formerly Invitae), Labcorp
Classification: Uncertain significance for Duchenne muscular dystrophy. Last evaluated: 2022-02-09. Review status: criteria provided, single submitter. Criteria: Invitae Variant Classification Sherloc (09022015). Collection method: clinical testing. Allele origin: germline.
Comment: This sequence change replaces isoleucine, which is neutral and non-polar, with valine, which is neutral and non-polar, at codon 2113 of the DMD protein (p.Ile2113Val). This variant is not present in population databases (gnomAD no frequency). This variant has not been reported in the literature in individuals affected with DMD-related conditions. Algorithms developed to predict the effect of missense changes on protein structure and function (SIFT, PolyPhen-2, Align-GVGD) all suggest that this variant is likely to be tolerated. Algorithms developed to predict the effect of sequence changes on RNA splicing suggest that this variant may create or strengthen a splice site. In summary, the available evidence is currently insufficient to determine the role of this variant in disease. Therefore, it has been classified as a Variant of Uncertain Significance.